The following is an entry in ClinVar:

NM_020911.2(PLXNA4):c.503_504inv (p.Ser168Leu)

Gene: PLXNA4 (plexin A4; minus strand). Cytogenetic location: 7q32.3.
Variant type: Inversion.
Coding change: c.503_504inv on transcript NM_020911.2 (MANE Select).
Protein change: p.Ser168Leu; replaces serine 168 with leucine.
Molecular consequence: missense variant.
Genome position: GRCh38 VCF-style: chr7-132508190-TG-CA. GRCh37 (hg19) VCF-style: chr7-132192949-TG-CA.
Other names: c.503_504inv, p.Ser168Leu (NM_001105543.2, NM_001393897.1, NM_181775.4); short protein forms S168L.
Identifiers: ClinVar variation 4996429 (VCV004996429.1).
Genomic context (GRCh38, chr7:132,508,190, plus strand): 5'-TGCCGTGGCAATGAACAGCTTGTCATCCAGGTTGCTGTAGGAGACGATCACTCCAAAGAC[TG>CA]AGCCGCTCTCGTTGACACCTGACAGATAGTGCTCCTTCTTATGATAAGGCTCCCCCAGCT-3'
Protein context (NP_065962.1, residues 158-178): HYLSGVNESG[Ser168Leu]VFGVIVSYSN

ClinVar aggregate classification (germline): Uncertain significance (1 of 4 stars; one submission).

Conditions:
PLXNA4-related disorder. Also called: PLXNA4-related condition.

Submission:

PreventionGenetics, part of Exact Sciences
Classification: Uncertain significance for PLXNA4-related condition. Last evaluated: 2025-09-18. Review status: criteria provided, single submitter. Criteria: ACMG Guidelines, 2015. Collection method: clinical testing. Allele origin: germline.
Comment: The PLXNA4 c.503_504delinsTG variant is predicted to result in an in-frame deletion and insertion. To our knowledge, this variant has not been reported in the literature or in a large population database (gnomAD), indicating this variant is rare. At this time, the clinical significance of this variant is uncertain due to the absence of conclusive functional and genetic evidence.